The following is an entry in ClinVar:

NM_006736.6(DNAJB2):c.199C>T (p.Arg67Cys)

Gene: DNAJB2 (DnaJ heat shock protein family (Hsp40) member B2; plus strand). Cytogenetic location: 2q35.
Variant type: single nucleotide variant.
Coding change: c.199C>T on transcript NM_006736.6 (MANE Select); coding-DNA position 199, C replaced by T.
Protein change: p.Arg67Cys; replaces arginine 67 with cysteine.
Molecular consequence: missense variant.
Genome position (GRCh38, 1-based): chr2:219,281,741, C>T. VCF-style: chr2-219281741-C-T. GRCh37 (hg19) VCF-style: chr2-220146463-C-T.
Other names: c.199C>T, p.Arg67Cys (NM_001039550.2); c.199C>T (NM_006736.5); short protein forms R67C.
Identifiers: ClinVar variation 843078 (VCV000843078.7), dbSNP rs140172586, ClinGen allele CA2122861.

ClinVar aggregate classification (germline): Uncertain significance. Review status: criteria provided, multiple submitters, no conflicts (2 of 4 stars). 2 submissions from 2 submitters: Uncertain significance (2). Last evaluated 2025-12-10.

Conditions:
DNAJB2-related disorder. Also called: DNAJB2-related condition.
Neuronopathy, distal hereditary motor, autosomal recessive 5. Also called: Spinal muscular atrophy, distal, autosomal recessive, 5; Young adult-onset distal hereditary motor neuropathy; NEUROPATHY, DISTAL HEREDITARY MOTOR, AUTOSOMAL RECESSIVE 5. Identifiers: Orphanet 314485, Orphanet 443950, MedGen C4749918, MONDO:0013947, OMIM 614881.

Allele frequency attached by ClinVar (database versions not stated): TOPMed 0.00008; 1000 Genomes Project 30x 0.00031; 1000 Genomes Project 0.00040.
gnomAD v4.1: 63 of 1,613,956 alleles (0.0039%); highest among the groups gnomAD compares: East Asian, 0.04%; no homozygotes.

Submissions (2):

Labcorp Genetics (formerly Invitae), Labcorp
Classification: Uncertain significance for Neuronopathy, distal hereditary motor, autosomal recessive 5. Last evaluated: 2025-12-10. Review status: criteria provided, single submitter. Criteria: Invitae Variant Classification Sherloc (09022015). Collection method: clinical testing. Allele origin: germline.
Comment: This sequence change replaces arginine, which is basic and polar, with cysteine, which is neutral and slightly polar, at codon 67 of the DNAJB2 protein (p.Arg67Cys). This variant is present in population databases (rs140172586, gnomAD 0.02%). This variant has not been reported in the literature in individuals affected with DNAJB2-related conditions. ClinVar contains an entry for this variant (Variation ID: 843078). Invitae Evidence Modeling of protein sequence and biophysical properties (such as structural, functional, and spatial information, amino acid conservation, physicochemical variation, residue mobility, and thermodynamic stability) indicates that this missense variant is not expected to disrupt DNAJB2 protein function with a negative predictive value of 80%. In summary, the available evidence is currently insufficient to determine the role of this variant in disease. Therefore, it has been classified as a Variant of Uncertain Significance.

PreventionGenetics, part of Exact Sciences
Classification: Uncertain significance for DNAJB2-related condition. Last evaluated: 2025-04-15. Review status: criteria provided, single submitter. Criteria: ACMG Guidelines, 2015. Collection method: clinical testing. Allele origin: germline.
Comment: The DNAJB2 c.199C>T variant is predicted to result in the amino acid substitution p.Arg67Cys. To our knowledge, this variant has not been reported in the literature. This variant is reported in 0.020% of alleles in individuals of East Asian descent in gnomAD. At this time, the clinical significance of this variant is uncertain due to the absence of conclusive functional and genetic evidence.